The following is an entry in ClinVar:

ClinVar aggregate classification (germline): Uncertain significance. Review status: criteria provided, multiple submitters, no conflicts (2 of 4 stars). 3 submissions from 3 submitters: Uncertain significance (2). 1 of the submissions does not count toward it. Last evaluated 2021-09-01.

Conditions:
Familial dysautonomia. Also called: HSAN III; FD. Identifiers: Orphanet 1764, MedGen C0013364, MONDO:0009131, OMIM 223900. Disease mechanism: loss of function.

Allele frequency attached by ClinVar (database versions not stated): gnomAD exomes below 0.00001 and 0.00001; TOPMed 0.00002; gnomAD 0.00003.
gnomAD v4.1: 19 of 1,589,380 alleles (0.0012%); highest among the groups gnomAD compares: Middle Eastern, 0.017%; no homozygotes.

Submissions (3):

Labcorp Genetics (formerly Invitae), Labcorp
Classification: Uncertain significance. Last evaluated: 2021-09-01. Review status: criteria provided, single submitter. Criteria: Invitae Variant Classification Sherloc (09022015). Collection method: clinical testing. Allele origin: germline.
Comment: This sequence change replaces threonine with serine at codon 929 of the ELP1 protein (p.Thr929Ser). The threonine residue is weakly conserved and there is a small physicochemical difference between threonine and serine. This variant is not present in population databases (ExAC no frequency). This variant has not been reported in the literature in individuals affected with ELP1-related conditions. Algorithms developed to predict the effect of missense changes on protein structure and function output the following: SIFT: "Tolerated"; PolyPhen-2: "Benign"; Align-GVGD: "Class C0". The serine amino acid residue is found in multiple mammalian species, which suggests that this missense change does not adversely affect protein function. Algorithms developed to predict the effect of sequence changes on RNA splicing suggest that this variant may create or strengthen a splice site. In summary, the available evidence is currently insufficient to determine the role of this variant in disease. Therefore, it has been classified as a Variant of Uncertain Significance.

Ambry Genetics
Classification: Uncertain significance. Last evaluated: 2021-02-22. Review status: criteria provided, single submitter. Criteria: Ambry Variant Classification Scheme 2023. Collection method: clinical testing. Allele origin: germline.
Comment: The p.T929S variant (also known as c.2786C>G), located in coding exon 25 of the IKBKAP gene, results from a C to G substitution at nucleotide position 2786. The threonine at codon 929 is replaced by serine, an amino acid with similar properties. This amino acid position is not well conserved in available vertebrate species, and serine is the reference amino acid in other vertebrate species. In addition, this alteration is predicted to be tolerated by in silico analysis. Since supporting evidence is limited at this time, the clinical significance of this alteration remains unclear.

Natera, Inc.
Classification: Uncertain significance for Familial dysautonomia. Last evaluated: 2020-09-16. Review status: no assertion criteria provided. Collection method: clinical testing. Allele origin: germline. Not counted in ClinVar's aggregate classification.

NM_003640.5(ELP1):c.2786C>G (p.Thr929Ser)

Gene: ELP1 (elongator acetyltransferase complex subunit 1; minus strand). Cytogenetic location: 9q31.3.
Variant type: single nucleotide variant.
Coding change: c.2786C>G on transcript NM_003640.5 (MANE Select); coding-DNA position 2786, C replaced by G.
Protein change: p.Thr929Ser; replaces threonine 929 with serine.
Molecular consequence: missense variant.
Genome position (GRCh38, 1-based): chr9:108,894,017, G>C on the plus strand (C>G on the coding strand, the complement: ELP1 is on the minus strand). VCF-style: chr9-108894017-G-C. GRCh37 (hg19) VCF-style: chr9-111656297-G-C.
Other names: c.2786C>G (LRG_251t1); c.2444C>G, p.Thr815Ser (NM_001318360.2); c.1739C>G, p.Thr580Ser (NM_001330749.2); short protein forms T580S, T929S, T815S.
Identifiers: ClinVar variation 651187 (VCV000651187.6), dbSNP rs1378971881, ClinGen allele CA374418974.